The following is an entry in ClinVar:

NM_017755.6(NSUN2):c.523C>T (p.Arg175Trp)

Gene: NSUN2 (NOP2/Sun RNA methyltransferase 2; minus strand). Cytogenetic location: 5p15.31.
Variant type: single nucleotide variant.
Coding change: c.523C>T on transcript NM_017755.6 (MANE Select); coding-DNA position 523, C replaced by T.
Protein change: p.Arg175Trp; replaces arginine 175 with tryptophan.
Molecular consequence: missense variant. On other transcripts: non-coding transcript variant (1).
Genome position (GRCh38, 1-based): chr5:6,623,228, G>A on the plus strand (C>T on the coding strand, the complement: NSUN2 is on the minus strand). VCF-style: chr5-6623228-G-A. GRCh37 (hg19) VCF-style: chr5-6623341-G-A.
Other names: c.418C>T, p.Arg140Trp (NM_001193455.2); short protein forms R140W, R175W.
Identifiers: ClinVar variation 1746280 (VCV001746280.6), dbSNP rs200377019, ClinGen allele CA3192758.

ClinVar aggregate classification (germline): Uncertain significance. Review status: criteria provided, multiple submitters, no conflicts (2 of 4 stars). 3 submissions from 3 submitters: Uncertain significance (3). Last evaluated 2024-05-15.

Conditions:
Inborn genetic diseases. Identifiers: MedGen C0950123, MeSH D030342.

Allele frequency attached by ClinVar (database versions not stated): ExAC 0.00002; gnomAD 0.00002; gnomAD exomes 0.00004; TOPMed 0.00004; 1000 Genomes Project 30x 0.00016; 1000 Genomes Project 0.00020.
gnomAD v4.1: 64 of 1,605,906 alleles (0.004%); highest among the groups gnomAD compares: Non-Finnish European, 0.0047%; no homozygotes.

Submissions (3):

Labcorp Genetics (formerly Invitae), Labcorp
Classification: Uncertain significance. Last evaluated: 2024-05-15. Review status: criteria provided, single submitter. Criteria: Invitae Variant Classification Sherloc (09022015). Collection method: clinical testing. Allele origin: germline.
Comment: This sequence change replaces arginine, which is basic and polar, with tryptophan, which is neutral and slightly polar, at codon 175 of the NSUN2 protein (p.Arg175Trp). The frequency data for this variant in the population databases is considered unreliable, as metrics indicate poor data quality at this position in the gnomAD database. This variant has not been reported in the literature in individuals affected with NSUN2-related conditions. ClinVar contains an entry for this variant (Variation ID: 1746280). Advanced modeling of protein sequence and biophysical properties (such as structural, functional, and spatial information, amino acid conservation, physicochemical variation, residue mobility, and thermodynamic stability) has been performed at Invitae for this missense variant, however the output from this modeling did not meet the statistical confidence thresholds required to predict the impact of this variant on NSUN2 protein function. In summary, the available evidence is currently insufficient to determine the role of this variant in disease. Therefore, it has been classified as a Variant of Uncertain Significance.

GeneDx
Classification: Uncertain significance. Last evaluated: 2022-07-05. Review status: criteria provided, single submitter. Criteria: GeneDx Variant Classification Process June 2021. Collection method: clinical testing. Allele origin: germline. Affected: yes.
Comment: In silico analysis supports that this missense variant has a deleterious effect on protein structure/function; Has not been previously published as pathogenic or benign to our knowledge

Ambry Genetics
Classification: Uncertain significance for Inborn genetic diseases. Last evaluated: 2018-07-16. Review status: criteria provided, single submitter. Criteria: Ambry Variant Classification Scheme 2023. Collection method: clinical testing. Allele origin: germline.
Comment: The p.R175W variant (also known as c.523C>T), located in coding exon 5 of the NSUN2 gene, results from a C to T substitution at nucleotide position 523. The arginine at codon 175 is replaced by tryptophan, an amino acid with dissimilar properties. This amino acid position is poorly conserved in available vertebrate species. In addition, this alteration is predicted to be tolerated by in silico analysis. Since supporting evidence is limited at this time, the clinical significance of this alteration remains unclear.